The following is an entry in ClinVar:

ClinVar aggregate classification (germline): Uncertain significance (1 of 4 stars; one submission).

Conditions:
Lysinuric protein intolerance (LPI). Identifiers: Orphanet 470, MedGen C0268647, MONDO:0009109, OMIM 222700.

Allele frequency attached by ClinVar (database versions not stated): gnomAD exomes below 0.00001.
gnomAD v4.1: 1 of 1,614,138 alleles (0.000062%); highest among the groups gnomAD compares: Non-Finnish European, 0.000085%; no homozygotes.

Submission:

Labcorp Genetics (formerly Invitae), Labcorp
Classification: Uncertain significance for Lysinuric protein intolerance. Last evaluated: 2021-03-28. Review status: criteria provided, single submitter. Criteria: Invitae Variant Classification Sherloc (09022015). Collection method: clinical testing. Allele origin: germline.
Comment: This variant has not been reported in the literature in individuals with SLC7A7-related conditions. This variant is not present in population databases (ExAC no frequency). This sequence change replaces valine with isoleucine at codon 485 of the SLC7A7 protein (p.Val485Ile). The valine residue is weakly conserved and there is a small physicochemical difference between valine and isoleucine. Algorithms developed to predict the effect of missense changes on protein structure and function output the following: SIFT: "Tolerated"; PolyPhen-2: "Benign"; Align-GVGD: "Class C0". The isoleucine amino acid residue is found in multiple mammalian species, suggesting that this missense change does not adversely affect protein function. These predictions have not been confirmed by published functional studies and their clinical significance is uncertain. In summary, the available evidence is currently insufficient to determine the role of this variant in disease. Therefore, it has been classified as a Variant of Uncertain Significance.

NM_003982.4(SLC7A7):c.1453G>A (p.Val485Ile)

Gene: SLC7A7 (solute carrier family 7 member 7; minus strand). Cytogenetic location: 14q11.2.
Variant type: single nucleotide variant.
Coding change: c.1453G>A on transcript NM_003982.4 (MANE Select); coding-DNA position 1453, G replaced by A.
Protein change: p.Val485Ile; replaces valine 485 with isoleucine.
Molecular consequence: missense variant.
Genome position (GRCh38, 1-based): chr14:22,773,693, C>T on the plus strand (G>A on the coding strand, the complement: SLC7A7 is on the minus strand). VCF-style: chr14-22773693-C-T. GRCh37 (hg19) VCF-style: chr14-23242902-C-T.
Other names: c.1453G>A, p.Val485Ile (NM_001126105.3, NM_001126106.4); short protein forms V485I.
Identifiers: ClinVar variation 1520950 (VCV001520950.8), dbSNP rs2139382220, ClinGen allele CA388921008.